The following is an entry in ClinVar:

ClinVar aggregate classification (germline): Conflicting classifications of pathogenicity. Review status: criteria provided, conflicting classifications (1 of 4 stars). 4 submissions from 4 submitters: Uncertain significance (3); Likely benign (1). Last evaluated 2023-11-22.

Conditions:
Primary ciliary dyskinesia 20. Also called: CILIARY DYSKINESIA, PRIMARY, 20, WITH OR WITHOUT SITUS INVERSUS. Identifiers: Orphanet 244, MedGen C3540844, MONDO:0014030, OMIM 615067.
Primary ciliary dyskinesia. Also called: Ciliary dyskinesia. Identifiers: Orphanet 244, MedGen C0008780, MONDO:0016575, HP:0012265.

Allele frequency attached by ClinVar (database versions not stated): gnomAD 0.00009 and 0.00007; ExAC 0.00011; 1000 Genomes Project 0.00060; TOPMed 0.00009; gnomAD exomes 0.00013 and 0.00003; 1000 Genomes Project 30x 0.00047.
gnomAD v4.1: 97 of 1,613,186 alleles (0.006%); highest among the groups gnomAD compares: East Asian, 0.062%; no homozygotes.

Submissions (4):

ARUP Laboratories, Molecular Genetics and Genomics, ARUP Laboratories
Classification: Uncertain significance for Primary ciliary dyskinesia 20. Last evaluated: 2023-11-22. Review status: criteria provided, single submitter. Criteria: ARUP Molecular Germline Variant Investigation Process 2024. Collection method: clinical testing. Allele origin: germline.
Comment: The ODAD1 c.1312G>A; p.Asp438Asn variant (rs199600077), to our knowledge, is not reported in the medical literature but is reported in ClinVar (Variation ID: 454964). This variant is found in the general population with an overall allele frequency of 0.014% (38/281214 alleles) in the Genome Aggregation Database (v2.1.1). Computational analyses predict that this variant is neutral (REVEL: 0.004). Due to limited information, the clinical significance of this variant is uncertain at this time.

Molecular Genetics McLendon Clinical Laboratories, University of North Carolina at Chapel Hill
Classification: Uncertain significance for Primary ciliary dyskinesia. Last evaluated: 2023-05-03. Review status: criteria provided, single submitter. Criteria: ACMG Guidelines, 2015. Collection method: clinical testing. Allele origin: germline.

Labcorp Genetics (formerly Invitae), Labcorp
Classification: Uncertain significance for Primary ciliary dyskinesia. Last evaluated: 2022-09-27. Review status: criteria provided, single submitter. Criteria: Invitae Variant Classification Sherloc (09022015). Collection method: clinical testing. Allele origin: germline.
Comment: This sequence change replaces aspartic acid, which is acidic and polar, with asparagine, which is neutral and polar, at codon 438 of the CCDC114 protein (p.Asp438Asn). This variant is present in population databases (rs199600077, gnomAD 0.1%). This variant has not been reported in the literature in individuals affected with CCDC114-related conditions. ClinVar contains an entry for this variant (Variation ID: 454964). Algorithms developed to predict the effect of missense changes on protein structure and function output the following: SIFT: "Tolerated"; PolyPhen-2: "Benign"; Align-GVGD: "Class C0". The asparagine amino acid residue is found in multiple mammalian species, which suggests that this missense change does not adversely affect protein function. In summary, the available evidence is currently insufficient to determine the role of this variant in disease. Therefore, it has been classified as a Variant of Uncertain Significance.

Ambry Genetics
Classification: Likely benign for Primary ciliary dyskinesia. Last evaluated: 2022-03-07. Review status: criteria provided, single submitter. Criteria: Ambry Variant Classification Scheme 2023. Collection method: clinical testing. Allele origin: germline.

NM_001364171.2(ODAD1):c.1423G>A (p.Asp475Asn)

Gene: ODAD1 (outer dynein arm docking complex subunit 1; minus strand). Cytogenetic location: 19q13.33.
Variant type: single nucleotide variant.
Coding change: c.1423G>A on transcript NM_001364171.2 (MANE Select); coding-DNA position 1423, G replaced by A.
Protein change: p.Asp475Asn; replaces aspartic acid 475 with asparagine.
Molecular consequence: missense variant.
Genome position (GRCh38, 1-based): chr19:48,298,079, C>T on the plus strand (G>A on the coding strand, the complement: ODAD1 is on the minus strand). VCF-style: chr19-48298079-C-T. GRCh37 (hg19) VCF-style: chr19-48801336-C-T.
Other names: c.1312G>A, p.Asp438Asn (NM_144577.4); short protein forms D438N, D475N.
Identifiers: ClinVar variation 454964 (VCV000454964.12), dbSNP rs199600077, ClinGen allele CA9548696.